The following is an entry in ClinVar:

ClinVar aggregate classification (germline): Likely pathogenic (1 of 4 stars; one submission).

Conditions:
CASR-related disorder. Also called: CASR-related condition.

Submission:

PreventionGenetics, part of Exact Sciences
Classification: Likely pathogenic for CASR-related condition. Last evaluated: 2022-09-01. Review status: criteria provided, single submitter. Criteria: ACMG Guidelines, 2015. Collection method: clinical testing. Allele origin: germline.
Comment: The CASR c.2274delinsCC variant is predicted to result in a frameshift and premature protein termination (p.Ser759Leufs*11). To our knowledge, this variant has not been reported in the literature or in a large population database, indicating this variant is rare. Frameshift variants in CASR are expected to be pathogenic. This variant is interpreted as likely pathogenic.

NM_000388.4(CASR):c.2244delinsCC (p.Ser749fs)

Gene: CASR (calcium sensing receptor; plus strand). Cytogenetic location: 3q21.1.
Variant type: Indel.
Coding change: c.2244delinsCC on transcript NM_000388.4 (MANE Select); coding-DNA position 2244, G replaced by CC.
Protein change: p.Ser749fs; shifts the reading frame from serine 749.
Molecular consequence: frameshift variant.
Genome position (GRCh38, 1-based): chr3:122,284,198, G replaced by CC. VCF-style: chr3-122284198-G-CC. GRCh37 (hg19) VCF-style: chr3-122003045-G-CC.
Other names: c.2274delinsCC, p.Ser759fs (NM_001178065.2); c.2274delinsCC (NM_001178065.1); short protein forms S749fs, S759fs.
Identifiers: ClinVar variation 2636276 (VCV002636276.1), dbSNP rs1553769059, ClinGen allele CA915941532.